The following is an entry in ClinVar:

NC_000004.12:g.(?_127957491)_(127957602_?)dup

Gene: MFSD8 (major facilitator superfamily domain containing 8; minus strand). Cytogenetic location: 4q28.2.
Variant type: Duplication.
Identifiers: ClinVar variation 833251 (VCV000833251.3).

ClinVar aggregate classification (germline): Likely pathogenic (1 of 4 stars; one submission).

Conditions:
Neuronal ceroid lipofuscinosis 7 (CLN7). Also called: MFSD8-Related Neuronal Ceroid-Lipofuscinosis. Identifiers: Orphanet 168491, Orphanet 228366, MedGen C1838571, MONDO:0012588, OMIM 610951.

Submission:

Labcorp Genetics (formerly Invitae), Labcorp
Classification: Likely pathogenic for Neuronal ceroid lipofuscinosis 7. Last evaluated: 2019-11-01. Review status: criteria provided, single submitter. Criteria: Invitae Variant Classification Sherloc (09022015). Collection method: clinical testing. Allele origin: germline.
Comment: In summary, the currently available evidence indicates that the variant is pathogenic, but additional data are needed to prove that conclusively. Therefore, this variant has been classified as Likely Pathogenic. Loss-of-function variants in MFSD8 are known to be pathogenic (PMID: 19177532, 25227500, 28586915). This variant has not been reported in the literature in individuals with MFSD8-related conditions. This variant results in a copy number gain of the genomic region encompassing exon 3 of the MFSD8 gene. While the exact position of this variant cannot be determined from this data, sub-genic copy number gains are generally in tandem (PMID: 25640679) and may result in an absent or disrupted protein product.

Literature cited by the submitters: PubMed 19177532; PubMed 25227500; PubMed 28586915; PubMed 25640679.